The following is an entry in ClinVar:

NM_018406.7(MUC4):c.14G>A (p.Arg5His)

Gene: MUC4 (mucin 4, cell surface associated). Cytogenetic location: 3q29.
Variant type: single nucleotide variant.
Coding change: c.14G>A on transcript NM_018406.7 (MANE Select); coding-DNA position 14, G replaced by A.
Protein change: p.Arg5His; replaces arginine 5 with histidine.
Molecular consequence: missense variant.
Genome position (GRCh38, 1-based): chr3:195,811,804, C>T on the plus strand (G>A on the coding strand, the complement: MUC4 is on the minus strand). VCF-style: chr3-195811804-C-T. GRCh37 (hg19) VCF-style: chr3-195538675-C-T.
Other names: c.14G>A, p.Arg5His (NM_001322468.1, NM_004532.6, NM_138297.5); short protein forms R5H.
Identifiers: ClinVar variation 2654496 (VCV002654496.24), dbSNP rs112836612, ClinGen allele CA2775588.

ClinVar aggregate classification (germline): Likely benign (1 of 4 stars; one submission).

Allele frequency attached by ClinVar (database versions not stated): 1000 Genomes Project 0.00140; 1000 Genomes Project 30x 0.00172; ESP Exome Variant Server 0.00223; TOPMed 0.00266; ExAC 0.00331; gnomAD 0.00356.
gnomAD v4.1: 6,106 of 1,613,846 alleles (0.38%); highest among the groups gnomAD compares: Non-Finnish European, 0.44%; 12 homozygotes.

Submission:

CeGaT Center for Human Genetics Tuebingen
Classification: Likely benign. Last evaluated: 2024-04-01. Review status: criteria provided, single submitter. Criteria: CeGaT Center For Human Genetics Tuebingen Variant Classification Criteria Version 2. Collection method: clinical testing. Allele origin: germline. Affected: yes. Observed: 2 variant alleles.
Comment: MUC4: BP4, BS2